The following is an entry in ClinVar:

NM_000497.4(CYP11B1):c.1005dup (p.Val336fs)

Genes: CYP11B1 (cytochrome P450 family 11 subfamily B member 1; minus strand), LOC106799833 (CYP11B1 recombination region; plus strand). Cytogenetic location: 8q24.3.
Variant type: Duplication.
Coding change: c.1005dup on transcript NM_000497.4 (MANE Select); coding-DNA position 1005, one base duplicated (C; older notation c.1005dupC).
Protein change: p.Val336fs; shifts the reading frame from valine 336.
Molecular consequence: frameshift variant.
Genome position (GRCh38, 1-based): chr8:142,875,828, G duplicated on the plus strand (C on the coding strand, the reverse complement: CYP11B1 is on the minus strand). VCF-style (leftmost placement, unchanged base first): chr8-142875827-C-CG. GRCh37 (hg19) VCF-style: chr8-143957243-C-CG.
Other names: c.1005dup, p.Val336fs (NM_001026213.1); short protein forms V336fs.
Identifiers: ClinVar variation 5012034 (VCV005012034.1).

ClinVar aggregate classification (germline): Pathogenic (1 of 4 stars; one submission).

Conditions:
Deficiency of steroid 11-beta-monooxygenase (CYP11B1). Also called: ADRENAL HYPERPLASIA, CONGENITAL, DUE TO STEROID 11-BETA-HYDROXYLASE DEFICIENCY; 11-BETA-HYDROXYLASE DEFICIENCY; ADRENAL HYPERPLASIA IV; P450C11B1 DEFICIENCY; STEROID 11-BETA-HYDROXYLASE DEFICIENCY; Congenital adrenal hyperplasia due to 11-beta-hydroxylase deficiency. Identifiers: Orphanet 90795, MedGen C0268292, MONDO:0008729, OMIM 202010. Disease mechanism: loss of function.

Submission:

Myriad Genetics, Inc.
Classification: Pathogenic for Deficiency of steroid 11-beta-monooxygenase. Last evaluated: 2023-09-27. Review status: criteria provided, single submitter. Criteria: Myriad Autosomal Dominant, Autosomal Recessive and X-Linked Classification Criteria (2023). Collection method: clinical testing. Allele origin: unknown.
Comment: NM_000497.3(CYP11B1):c.1005dupC(V336Rfs*18) is expected to be pathogenic in the context of congenital adrenal hyperplasia, CYP11B1-related. This variant is predicted to lead to an abnormal or absent protein product due to the creation of a premature termination codon in CYP11B1, a gene where loss-of-function variants are known to be pathogenic. Please note: this variant was assessed in the context of healthy population screening.